The following is an entry in ClinVar:

ClinVar aggregate classification (germline): Likely pathogenic (1 of 4 stars; one submission).

Conditions:
Autosomal dominant nonsyndromic hearing loss 10. Identifiers: Orphanet 90635, MedGen C1832476, MONDO:0011031, OMIM 601316.

Submission:

Otorhinolaryngology Head and Neck Surgery, First Medical Center of Chinese PLA General Hospital
Classification: Likely pathogenic for Autosomal dominant nonsyndromic hearing loss 10. Last evaluated: 2023-10-13. Review status: criteria provided, single submitter. Criteria: ACMG Guidelines, 2015. Collection method: research. Allele origin: germline. Inheritance: Autosomal dominant inheritance. Affected: yes. Observed: 3 variant alleles. Clinical features observed: Sensorineural hearing loss disorder (HP:0000407).
Comment: The ACMG Genetic Variation Interpretation is detailed below: c.1745_1748del (exon19, NM_004100.5), leading to an amino acid change p.Glu582ValfsTer6, a frameshift variant. According to the Association for Molecular Pathology (ACMG) guidelines, the variant was initially determined as a likely pathogenic “PVS1+PM2_Supporting”. Sanger sequencing confirmed co-segregation of the genetic variant with the phenotype of the family.

Literature cited by the submitters: DOI 10.1038/s41598-020-60259-0.

NM_004100.5(EYA4):c.1745_1748del (p.Glu582fs)

Genes: EYA4 (EYA transcriptional coactivator and phosphatase 4; plus strand), TARID (TCF21 antisense RNA inducing promoter demethylation; minus strand). Cytogenetic location: 6q23.2.
Variant type: Microsatellite.
Coding change: c.1745_1748del on transcript NM_004100.5 (MANE Select); coding-DNA positions 1745 to 1748, 4 bases deleted (AAAG; older notation c.1745_1748delAAAG).
Protein change: p.Glu582fs; shifts the reading frame from glutamic acid 582.
Molecular consequence: frameshift variant. On other transcripts: intron variant (3).
Genome position (GRCh38, 1-based): chr6:133,525,160-133,525,163, AAAG deleted; deleting any 4 consecutive bases within chr6:133,525,156-133,525,163 gives the same sequence; the c. name uses the placement nearest the transcript's 3' end. VCF-style (leftmost placement, unchanged base first): chr6-133525155-AAAAG-A. GRCh37 (hg19) VCF-style: chr6-133846293-AAAAG-A.
Other names: c.1763_1766del, p.Glu588fs (NM_001301013.2); c.1601_1604del, p.Glu534fs (NM_001370459.1); c.1676_1679del, p.Glu559fs (NM_172103.4); c.1839+45_1839+48del (NM_172105.4); c.1770+45_1770+48del (NM_001370458.1); c.1677+45_1677+48del (NM_001301012.2); short protein forms E534fs, E559fs, E582fs, E588fs.
Identifiers: ClinVar variation 3338283 (VCV003338283.2).
Genomic context (GRCh38, chr6:133,525,155, plus strand): 5'-GAGGAGCATGCCGCTAACCAGGTAACTTCACTCTGAACTTTATCTCATTTATCTTCCAGG[AAAAG>A]AAAGTTGCTTTGAACGAATAATGCAAAGGTTTGGCAGAAAAGTAGTGTATGTTGTAATTG-3'